The following is an entry in ClinVar:

ClinVar aggregate classification (germline): Uncertain significance (1 of 4 stars; one submission).

Conditions:
Atrioventricular septal defect 5 (AVSD5). Identifiers: MedGen C3280939, MONDO:0013769, OMIM 614474.

Allele frequency attached by ClinVar (database versions not stated): TOPMed 0.00001.
gnomAD v4.1: 7 of 1,497,884 alleles (0.00047%); highest among the groups gnomAD compares: Admixed American, 0.009%; no homozygotes.

Submission:

Labcorp Genetics (formerly Invitae), Labcorp
Classification: Uncertain significance for Atrioventricular septal defect 5. Last evaluated: 2023-11-28. Review status: criteria provided, single submitter. Criteria: Invitae Variant Classification Sherloc (09022015). Collection method: clinical testing. Allele origin: germline.
Comment: This sequence change replaces proline, which is neutral and non-polar, with arginine, which is basic and polar, at codon 186 of the GATA6 protein (p.Pro186Arg). This variant is present in population databases (no rsID available, gnomAD 0.01%). This variant has not been reported in the literature in individuals affected with GATA6-related conditions. ClinVar contains an entry for this variant (Variation ID: 646142). Advanced modeling of protein sequence and biophysical properties (such as structural, functional, and spatial information, amino acid conservation, physicochemical variation, residue mobility, and thermodynamic stability) performed at Invitae indicates that this missense variant is expected to disrupt GATA6 protein function with a positive predictive value of 80%. In summary, the available evidence is currently insufficient to determine the role of this variant in disease. Therefore, it has been classified as a Variant of Uncertain Significance.

NM_005257.6(GATA6):c.557C>G (p.Pro186Arg)

Gene: GATA6 (GATA binding protein 6; plus strand). Cytogenetic location: 18q11.2.
Variant type: single nucleotide variant.
Coding change: c.557C>G on transcript NM_005257.6 (MANE Select); coding-DNA position 557, C replaced by G.
Protein change: p.Pro186Arg; replaces proline 186 with arginine.
Molecular consequence: missense variant.
Genome position (GRCh38, 1-based): chr18:22,171,701, C>G. VCF-style: chr18-22171701-C-G. GRCh37 (hg19) VCF-style: chr18-19751662-C-G.
Other names: short protein forms P186R.
Identifiers: ClinVar variation 646142 (VCV000646142.8), dbSNP rs1385341551, ClinGen allele CA401799934.
Genomic context (GRCh38, chr18:22,171,701, plus strand): 5'-CCGGCGGCTTCGTGCACTCTGCGGCCGCGGCGGCAGCAGCCGCGGCGGCGGCCAGCTCCC[C>G]GGTCTACGTGCCCACCACCCGCGTGGGTTCCATGCTGCCCGGCCTACCGTACCACCTGCA-3'
Protein context (NP_005248.2, residues 176-196): AAAAAAAASS[Pro186Arg]VYVPTTRVGS